The following is an entry in ClinVar:

ClinVar aggregate classification (germline): Likely benign. Review status: criteria provided, multiple submitters, no conflicts (2 of 4 stars). 4 submissions from 4 submitters: Likely benign (4). Last evaluated 2026-04-13.

Conditions:
Hereditary cancer-predisposing syndrome. Also called: Neoplastic Syndromes, Hereditary; Tumor predisposition; Hereditary Cancer Syndrome; Hereditary neoplastic syndrome. Identifiers: Orphanet 140162, MedGen C0027672, MeSH D009386, MONDO:0015356.
DICER1-related tumor predisposition. Also called: DICER1-related pleuropulmonary blastoma cancer predisposition syndrome; DICER1 syndrome. Identifiers: Orphanet 284343, MedGen C3839822, MONDO:0100216.

Allele frequency attached by ClinVar (database versions not stated): gnomAD exomes 0.00002 and 0.00006; TOPMed 0.00003; ExAC 0.00004; gnomAD 0.00004.
gnomAD v4.1: 99 of 1,600,204 alleles (0.0062%); highest among the groups gnomAD compares: Non-Finnish European, 0.0081%; no homozygotes.

Submissions (4):

Myriad Genetics, Inc.
Classification: Likely benign for DICER1-related tumor predisposition. Last evaluated: 2026-04-13. Review status: criteria provided, single submitter. Criteria: Myriad Autosomal Dominant, Autosomal Recessive and X-Linked Classification Criteria (2023). Collection method: clinical testing. Allele origin: unknown.
Comment: This variant is considered likely benign. This variant is intronic and is not expected to impact mRNA splicing.

Labcorp Genetics (formerly Invitae), Labcorp
Classification: Likely benign for DICER1-related tumor predisposition. Last evaluated: 2026-01-27. Review status: criteria provided, single submitter. Criteria: Invitae Variant Classification Sherloc (09022015). Collection method: clinical testing. Allele origin: germline.

Center for Genomic Medicine, Rigshospitalet, Copenhagen University Hospital
Classification: Likely benign. Last evaluated: 2025-03-04. Review status: criteria provided, single submitter. Criteria: ACMG Guidelines, 2015. Collection method: clinical testing. Allele origin: germline.

Sema4
Classification: Likely benign for Hereditary cancer-predisposing syndrome. Last evaluated: 2020-11-20. Review status: criteria provided, single submitter. Criteria: Sema4 Curation Guidelines. Collection method: curation. Allele origin: germline.

NM_177438.3(DICER1):c.2805-12T>C

Gene: DICER1 (dicer 1, ribonuclease III; minus strand). Cytogenetic location: 14q32.13.
Variant type: single nucleotide variant.
Coding change: c.2805-12T>C on transcript NM_177438.3 (MANE Select); 12 bases into the intron before coding-DNA position 2805, T replaced by C.
Molecular consequence: intron variant.
Genome position (GRCh38, 1-based): chr14:95,106,235, A>G on the plus strand (T>C on the coding strand, the complement: DICER1 is on the minus strand). VCF-style: chr14-95106235-A-G. GRCh37 (hg19) VCF-style: chr14-95572572-A-G.
Other names: c.2805-12T>C (NM_001291628.2, NM_030621.4, NM_001271282.3 and 1 more transcripts).
Identifiers: ClinVar variation 1457301 (VCV001457301.16), dbSNP rs747770541, ClinGen allele CA7331164.